The following is an entry in ClinVar:

ClinVar aggregate classification (germline): Uncertain significance (1 of 4 stars; one submission).

Conditions:
Epilepsy, X-linked 1, with variable learning disabilities and behavior disorders. Also called: X-linked epilepsy-learning disabilities-behavior disorders syndrome. Identifiers: Orphanet 85294, MedGen C5774177, MONDO:0010339, OMIM 300491.

Submission:

Laboratorio de Genetica e Diagnostico Molecular, Hospital Israelita Albert Einstein
Classification: Uncertain significance for Epilepsy, X-linked 1, with variable learning disabilities and behavior disorders. Last evaluated: 2023-02-01. Review status: criteria provided, single submitter. Criteria: ACMG Guidelines, 2015. Collection method: clinical testing. Allele origin: germline. Affected: yes.
Comment: ACMG classification criteria: PM2 moderated, BP4 supporting

NM_006950.3(SYN1):c.405C>G (p.Ile135Met)

Gene: SYN1 (synapsin I; minus strand). Cytogenetic location: Xp11.23.
Variant type: single nucleotide variant.
Coding change: c.405C>G on transcript NM_006950.3 (MANE Select); coding-DNA position 405, C replaced by G.
Protein change: p.Ile135Met; replaces isoleucine 135 with methionine.
Molecular consequence: missense variant.
Genome position (GRCh38, 1-based): chrX:47,607,171, G>C on the plus strand (C>G on the coding strand, the complement: SYN1 is on the minus strand). VCF-style: chrX-47607171-G-C. GRCh37 (hg19) VCF-style: chrX-47466570-G-C.
Other names: c.405C>G, p.Ile135Met (NM_133499.2); short protein forms I135M.
Identifiers: ClinVar variation 2431691 (VCV002431691.2), dbSNP rs2519706629, ClinGen allele CA412827705.